The following is an entry in ClinVar:

NM_000051.4(ATM):c.2839-8C>A

Gene: ATM (ATM serine/threonine kinase; plus strand). Cytogenetic location: 11q22.3.
Variant type: single nucleotide variant.
Coding change: c.2839-8C>A on transcript NM_000051.4 (MANE Select); 8 bases into the intron before coding-DNA position 2839, C replaced by A.
Molecular consequence: intron variant.
Genome position (GRCh38, 1-based): chr11:108,271,056, C>A. VCF-style: chr11-108271056-C-A. GRCh37 (hg19) VCF-style: chr11-108141783-C-A.
Other names: c.2839-8C>A (NM_001351834.2).
Identifiers: ClinVar variation 489530 (VCV000489530.14), dbSNP rs1555084596, ClinGen allele CA658683758.
Genomic context (GRCh38, chr11:108,271,056, plus strand): 5'-TGTTTATATACTTTTTAAAGTAAATGATTTGTGGATAAACCTGATTTTTTTCCCTCCTAC[C>A]ATCTTAGTATCTAATGCTTTTAAAGGAGCTTCCTGGAGAAGAGTACCCCTTGCCAATGGA-3'

ClinVar aggregate classification (germline): Conflicting classifications of pathogenicity. Review status: criteria provided, conflicting classifications (1 of 4 stars). 2 submissions from 2 submitters: Uncertain significance (1); Likely benign (1). Last evaluated 2023-07-08.

Conditions:
Hereditary cancer-predisposing syndrome. Also called: Tumor predisposition; Neoplastic Syndromes, Hereditary; Hereditary Cancer Syndrome; Hereditary neoplastic syndrome. Identifiers: Orphanet 140162, MedGen C0027672, MeSH D009386, MONDO:0015356.
Ataxia-telangiectasia syndrome (AT). Also called: Ataxia-telangiectasia; Ataxia-telangiectasia, complementation group D; AT, COMPLEMENTATION GROUP C; LOUIS-BAR SYNDROME; Cerebello-oculocutaneous telangiectasia; Immunodeficiency with ataxia telangiectasia. Identifiers: Orphanet 100, MedGen C0004135, MONDO:0008840, OMIM 208900.

Submissions (2):

Labcorp Genetics (formerly Invitae), Labcorp
Classification: Likely benign for Ataxia-telangiectasia syndrome. Last evaluated: 2023-07-08. Review status: criteria provided, single submitter. Criteria: Invitae Variant Classification Sherloc (09022015). Collection method: clinical testing. Allele origin: germline.

Color Diagnostics, LLC DBA Color Health
Classification: Uncertain significance for Hereditary cancer-predisposing syndrome. Last evaluated: 2019-11-22. Review status: criteria provided, single submitter. Criteria: ACMG Guidelines, 2015. Collection method: clinical testing. Allele origin: germline.
Comment: This variant causes a C>A nucleotide substitution at the -8 position of intron 18 of the ATM gene. Splice site prediction tools are inconclusive regarding the impact of this variant on RNA splicing. To our knowledge, functional studies have not been performed for this variant. This variant has not been reported in individuals affected with hereditary cancer in the literature. This variant has not been identified in the general population by the Genome Aggregation Database (gnomAD). The available evidence is insufficient to determine the role of this variant in disease conclusively. Therefore, this variant is classified as a Variant of Uncertain Significance.